The following is an entry in ClinVar:

ClinVar aggregate classification (germline): Uncertain significance. Review status: criteria provided, multiple submitters, no conflicts (2 of 4 stars). 2 submissions from 2 submitters: Uncertain significance (2). Last evaluated 2024-08-24.

Conditions:
Dilated cardiomyopathy 1JJ (CMD1JJ). Identifiers: Orphanet 154, MedGen C3808935, MONDO:0014095, OMIM 615235.
Cardiovascular phenotype. Identifiers: MedGen CN230736.

Allele frequency attached by ClinVar (database versions not stated): ExAC 0.00003.
gnomAD v4.1: 33 of 1,613,932 alleles (0.002%); highest among the groups gnomAD compares: East Asian, 0.0067%; no homozygotes.

Submissions (2):

Ambry Genetics
Classification: Uncertain significance for Cardiovascular phenotype. Last evaluated: 2024-08-24. Review status: criteria provided, single submitter. Criteria: Ambry Variant Classification Scheme 2023. Collection method: clinical testing. Allele origin: germline.
Comment: The p.V917I variant (also known as c.2749G>A), located in coding exon 20 of the LAMA4 gene, results from a G to A substitution at nucleotide position 2749. The valine at codon 917 is replaced by isoleucine, an amino acid with highly similar properties. This amino acid position is conserved. In addition, this alteration is predicted to be tolerated by in silico analysis. Based on the available evidence, the clinical significance of this variant remains unclear.

Labcorp Genetics (formerly Invitae), Labcorp
Classification: Uncertain significance for Dilated cardiomyopathy 1JJ. Last evaluated: 2022-06-07. Review status: criteria provided, single submitter. Criteria: Invitae Variant Classification Sherloc (09022015). Collection method: clinical testing. Allele origin: germline.
Comment: This sequence change replaces valine, which is neutral and non-polar, with isoleucine, which is neutral and non-polar, at codon 917 of the LAMA4 protein (p.Val917Ile). This variant is present in population databases (rs781908229, gnomAD 0.008%). This variant has not been reported in the literature in individuals affected with LAMA4-related conditions. Algorithms developed to predict the effect of missense changes on protein structure and function output the following: SIFT: "Tolerated"; PolyPhen-2: "Benign"; Align-GVGD: "Class C0". The isoleucine amino acid residue is found in multiple mammalian species, which suggests that this missense change does not adversely affect protein function. In summary, the available evidence is currently insufficient to determine the role of this variant in disease. Therefore, it has been classified as a Variant of Uncertain Significance.

NM_001105206.3(LAMA4):c.2770G>A (p.Val924Ile)

Genes: LAMA4 (laminin subunit alpha 4; minus strand), LOC126859766 (MED14-independent group 3 enhancer GRCh37_chr6:112462018-112463217; plus strand). Cytogenetic location: 6q21.
Variant type: single nucleotide variant.
Coding change: c.2770G>A on transcript NM_001105206.3 (MANE Select); coding-DNA position 2770, G replaced by A.
Protein change: p.Val924Ile; replaces valine 924 with isoleucine.
Molecular consequence: missense variant.
Genome position (GRCh38, 1-based): chr6:112,141,401, C>T on the plus strand (G>A on the coding strand, the complement: LAMA4 is on the minus strand). VCF-style: chr6-112141401-C-T. GRCh37 (hg19) VCF-style: chr6-112462603-C-T.
Other names: c.2749G>A, p.Val917Ile (NM_001105207.3, NM_002290.5); short protein forms V917I, V924I.
Identifiers: ClinVar variation 2043375 (VCV002043375.5), dbSNP rs781908229, ClinGen allele CA3965389.